The following is an entry in ClinVar:

NM_001101362.3(KBTBD13):c.67G>A (p.Ala23Thr)

Gene: KBTBD13 (kelch repeat and BTB domain containing 13; plus strand). Cytogenetic location: 15q22.31.
Variant type: single nucleotide variant.
Coding change: c.67G>A on transcript NM_001101362.3 (MANE Select); coding-DNA position 67, G replaced by A.
Protein change: p.Ala23Thr; replaces alanine 23 with threonine.
Molecular consequence: missense variant.
Genome position (GRCh38, 1-based): chr15:65,076,882, G>A. VCF-style: chr15-65076882-G-A. GRCh37 (hg19) VCF-style: chr15-65369220-G-A.
Other names: short protein forms A23T.
Identifiers: ClinVar variation 4751234 (VCV004751234.1).

ClinVar aggregate classification (germline): Uncertain significance (1 of 4 stars; one submission).

Conditions:
Nemaline myopathy 6 (NEM6). Also called: Nemaline myopathy 6, autosomal dominant. Identifiers: Orphanet 171439, MedGen C1836472, MONDO:0012237, OMIM 609273.

Submission:

Labcorp Genetics (formerly Invitae), Labcorp
Classification: Uncertain significance for Nemaline myopathy 6. Last evaluated: 2025-02-10. Review status: criteria provided, single submitter. Criteria: Invitae Variant Classification Sherloc (09022015). Collection method: clinical testing. Allele origin: germline.
Comment: This sequence change replaces alanine, which is neutral and non-polar, with threonine, which is neutral and polar, at codon 23 of the KBTBD13 protein (p.Ala23Thr). This variant is not present in population databases (gnomAD no frequency). This variant has not been reported in the literature in individuals affected with KBTBD13-related conditions. Invitae Evidence Modeling of protein sequence and biophysical properties (such as structural, functional, and spatial information, amino acid conservation, physicochemical variation, residue mobility, and thermodynamic stability) indicates that this missense variant is not expected to disrupt KBTBD13 protein function with a negative predictive value of 80%. In summary, the available evidence is currently insufficient to determine the role of this variant in disease. Therefore, it has been classified as a Variant of Uncertain Significance.